The following is an entry in ClinVar:

ClinVar aggregate classification (germline): Uncertain significance (1 of 4 stars; one submission).

Submission:

Ambry Genetics
Classification: Uncertain significance. Last evaluated: 2026-05-27. Review status: criteria provided, single submitter. Criteria: Ambry Variant Classification Scheme 2023. Collection method: clinical testing. Allele origin: germline.
Comment: The p.S1011F variant (also known as c.3032C>T), located in coding exon 27 of the KIF1B gene, results from a C to T substitution at nucleotide position 3032. The serine at codon 1011 is replaced by phenylalanine, an amino acid with highly dissimilar properties. This amino acid position is conserved. In addition, this alteration is predicted to be deleterious by in silico analysis. Based on the available evidence, the clinical significance of this variant remains unclear.

NM_001365951.3(KIF1B):c.3170C>T (p.Ser1057Phe)

Gene: KIF1B (kinesin family member 1B; plus strand). Cytogenetic location: 1p36.22.
Variant type: single nucleotide variant.
Coding change: c.3170C>T on transcript NM_001365951.3 (MANE Select); coding-DNA position 3170, C replaced by T.
Protein change: p.Ser1057Phe; replaces serine 1057 with phenylalanine.
Molecular consequence: missense variant.
Genome position (GRCh38, 1-based): chr1:10,337,114, C>T. VCF-style: chr1-10337114-C-T. GRCh37 (hg19) VCF-style: chr1-10397172-C-T.
Other names: c.3170C>T, p.Ser1057Phe (NM_001365952.1); c.3032C>T, p.Ser1011Phe (NM_015074.3); short protein forms S1011F, S1057F.
Identifiers: ClinVar variation 4858875 (VCV004858875.1).
Genomic context (GRCh38, chr1:10,337,114, plus strand): 5'-TGCCCCTGCCTTTTTTTCAGAGTGACTTTTCGTCTGTTGCAATGACTCGTTCTGGTCTGT[C>T]CTTGGAGGAGTTGAGGATTGTGGAAGGACAGGGTCAGAGTTCTGAGGTCATCACTCCTCC-3'
Protein context (NP_001352880.1, residues 1047-1067): SSVAMTRSGL[Ser1057Phe]LEELRIVEGQ